The following is an entry in ClinVar:

NM_201378.4(PLEC):c.71-11913C>A

Gene: PLEC (plectin; minus strand). Cytogenetic location: 8q24.3.
Variant type: single nucleotide variant.
Coding change: c.71-11913C>A on transcript NM_201378.4 (MANE Plus Clinical); 11913 bases into the intron before coding-DNA position 71, C replaced by A.
Molecular consequence: intron variant. On other transcripts: synonymous variant (1).
Genome position (GRCh38, 1-based): chr8:143,950,605, G>T on the plus strand (C>A on the coding strand, the complement: PLEC is on the minus strand). VCF-style: chr8-143950605-G-T. GRCh37 (hg19) VCF-style: chr8-145024773-G-T.
Other names: c.102C>A, p.Arg34= (NM_201380.4); c.194-11913C>A (NM_001410941.1, NM_000445.5); c.46+3121C>A (NM_201379.3).
Identifiers: ClinVar variation 4979535 (VCV004979535.1).

ClinVar aggregate classification (germline): Likely benign (1 of 4 stars; one submission).

Conditions:
PLEC-related disorder. Also called: PLEC-related condition; PLEC-related disorders.

Submission:

PreventionGenetics, part of Exact Sciences
Classification: Likely benign for PLEC-related condition. Last evaluated: 2025-08-19. Review status: criteria provided, single submitter. Criteria: ACMG Guidelines, 2015. Collection method: clinical testing. Allele origin: germline.
Comment: This variant is classified as likely benign based on ACMG/AMP sequence variant interpretation guidelines (Richards et al. 2015 PMID: 25741868, with internal and published modifications).